The following is an entry in ClinVar:

NM_013386.5(SLC25A24):c.97C>G (p.Arg33Gly)

Gene: SLC25A24 (solute carrier family 25 member 24; minus strand). Cytogenetic location: 1p13.3.
Variant type: single nucleotide variant.
Coding change: c.97C>G on transcript NM_013386.5 (MANE Select); coding-DNA position 97, C replaced by G.
Protein change: p.Arg33Gly; replaces arginine 33 with glycine.
Molecular consequence: missense variant.
Genome position (GRCh38, 1-based): chr1:108,200,042, G>C on the plus strand (C>G on the coding strand, the complement: SLC25A24 is on the minus strand). VCF-style: chr1-108200042-G-C. GRCh37 (hg19) VCF-style: chr1-108742664-G-C.
Other names: short protein forms R33G.
Identifiers: ClinVar variation 5020119 (VCV005020119.1).

ClinVar aggregate classification (germline): Uncertain significance (1 of 4 stars; one submission).

Submission:

Dasa
Classification: Uncertain significance. Last evaluated: 2026-07-27. Review status: criteria provided, single submitter. Criteria: DASA Assertion Criteria. Collection method: clinical testing. Allele origin: germline.
Comment: NM_013386.5(SLC25A24):c.97C>G (p.Arg33Gly) is a missense variant that results in the substitution of arginine with glycine. This variant is rare in population databases. The currently available literature and clinical evidence are not sufficient to establish a definitive association between this variant and the reported condition. Therefore, this variant is classified as a variant of uncertain significance.